The following is an entry in ClinVar:

ClinVar aggregate classification (germline): Uncertain significance (1 of 4 stars; one submission).

Conditions:
Acrodysostosis 2 with or without hormone resistance. Also called: ACRODYSOSTOSIS 2 WITH HORMONE RESISTANCE; ACRODYSOSTOSIS 2 WITHOUT HORMONE RESISTANCE. Identifiers: Orphanet 280651, MedGen C3553250, MONDO:0013822, OMIM 614613.

Submission:

Juno Genomics, Hangzhou Juno Genomics, Inc
Classification: Uncertain significance for Acrodysostosis 2 with or without hormone resistance. Review status: criteria provided, single submitter. Criteria: ACMG Guidelines, 2015. Collection method: clinical testing. Allele origin: germline.
Comment: Absent from controls (or at extremely low frequency if recessive) in Genome Aggregation Database.;Multiple lines of computational evidence support a deleterious effect on the gene or gene product.

NM_001104631.2(PDE4D):c.1385A>G (p.His462Arg)

Gene: PDE4D (phosphodiesterase 4D; minus strand). Cytogenetic location: 5q11.2.
Variant type: single nucleotide variant.
Coding change: c.1385A>G on transcript NM_001104631.2 (MANE Select); coding-DNA position 1385, A replaced by G.
Protein change: p.His462Arg; replaces histidine 462 with arginine.
Molecular consequence: missense variant.
Genome position (GRCh38, 1-based): chr5:58,989,822, T>C on the plus strand (A>G on the coding strand, the complement: PDE4D is on the minus strand). VCF-style: chr5-58989822-T-C. GRCh37 (hg19) VCF-style: chr5-58285649-T-C.
Other names: c.1202A>G, p.His401Arg (NM_001165899.2, NM_001364599.1); c.1193A>G, p.His398Arg (NM_001197218.2); c.1019A>G, p.His340Arg (NM_001197219.2); c.995A>G, p.His332Arg (NM_001197220.2); c.479A>G, p.His160Arg (NM_001197221.2, NM_001364603.1); c.713A>G, p.His238Arg (NM_001197222.2); c.512A>G, p.His171Arg (NM_001197223.2); c.1172A>G, p.His391Arg (NM_001349241.2); and 3 more; short protein forms H206R, H326R, H340R, H352R, H462R, H160R, H171R, H332R.
Identifiers: ClinVar variation 5006907 (VCV005006907.2).